The following is an entry in ClinVar:

NM_212482.4(FN1):c.4145C>T (p.Pro1382Leu)

Genes: FN1 (fibronectin 1; minus strand), LOC126806497 (BRD4-independent group 4 enhancer GRCh37_chr2:216255920-216257119; plus strand). Cytogenetic location: 2q35.
Variant type: single nucleotide variant.
Coding change: c.4145C>T on transcript NM_212482.4 (MANE Select); coding-DNA position 4145, C replaced by T.
Protein change: p.Pro1382Leu; replaces proline 1382 with leucine.
Molecular consequence: missense variant.
Genome position (GRCh38, 1-based): chr2:215,391,739, G>A on the plus strand (C>T on the coding strand, the complement: FN1 is on the minus strand). VCF-style: chr2-215391739-G-A. GRCh37 (hg19) VCF-style: chr2-216256462-G-A.
Other names: c.4145C>T, p.Pro1382Leu (NM_001306129.2, NM_001306130.2, NM_001365517.2 and 3 more transcripts); c.3872C>T, p.Pro1291Leu (NM_001306131.2, NM_001306132.2, NM_001365518.2 and 7 more transcripts); short protein forms P1291L, P1382L.
Identifiers: ClinVar variation 3906303 (VCV003906303.1).
Genomic context (GRCh38, chr2:215,391,739, plus strand): 5'-ACATCTTCCTCATTTTTCACAGGTGAGTAACGCACCAGGAAGTTGGTTAAATCAATGGAT[G>A]GGGGTGGAGCCCAGGTGACACGCATGGTGTCTGGACCAATGTTGGTGAATCGCAGGTCAG-3'
Protein context (NP_997647.2, residues 1372-1392): DTMRVTWAPP[Pro1382Leu]SIDLTNFLVR

ClinVar aggregate classification (germline): Uncertain significance (1 of 4 stars; one submission).

gnomAD v4.1: 2 of 1,614,080 alleles (0.00012%); highest among the groups gnomAD compares: Non-Finnish European, 0.00017%; no homozygotes.

Submission:

GeneDx
Classification: Uncertain significance. Last evaluated: 2024-12-17. Review status: criteria provided, single submitter. Criteria: GeneDx Variant Classification Process June 2021. Collection method: clinical testing. Allele origin: germline. Affected: yes.
Comment: Not observed at significant frequency in large population cohorts (gnomAD); In silico analysis supports that this missense variant has a deleterious effect on protein structure/function; Has not been previously published as pathogenic or benign to our knowledge